The following is an entry in ClinVar:

NM_206933.4(USH2A):c.11366T>C (p.Ile3789Thr)

Gene: USH2A (usherin; minus strand). Cytogenetic location: 1q41.
Variant type: single nucleotide variant.
Coding change: c.11366T>C on transcript NM_206933.4 (MANE Select); coding-DNA position 11366, T replaced by C.
Protein change: p.Ile3789Thr; replaces isoleucine 3789 with threonine.
Molecular consequence: missense variant.
Genome position (GRCh38, 1-based): chr1:215,758,618, A>G on the plus strand (T>C on the coding strand, the complement: USH2A is on the minus strand). VCF-style: chr1-215758618-A-G. GRCh37 (hg19) VCF-style: chr1-215931960-A-G.
Other names: short protein forms I3789T.
Identifiers: ClinVar variation 229615 (VCV000229615.22), dbSNP rs183979371, ClinGen allele CA1393762.

ClinVar aggregate classification (germline): Uncertain significance. Review status: criteria provided, multiple submitters, no conflicts (2 of 4 stars). 11 submissions from 10 submitters: Uncertain significance (10). 1 of the submissions does not count toward it. Last evaluated 2026-06-01.

Conditions:
USH2A-related disorder. Also called: USH2A-related condition; USH2A-related disorders. Identifiers: MedGen CN239332.
Retinitis pigmentosa 39 (RP39). Identifiers: Orphanet 791, MedGen C3151138, MONDO:0013436, OMIM 613809.
Usher syndrome type 2A. Also called: USHER SYNDROME, TYPE IIA; RETINAL DISEASE IN USHER SYNDROME TYPE IIA, MODIFIER OF. Identifiers: Orphanet 231178, Orphanet 886, MedGen C1848634, MONDO:0010169, OMIM 276901.

Allele frequency attached by ClinVar (database versions not stated): gnomAD exomes 0.00002 and 0.00007; ExAC 0.00003; gnomAD 0.00006 and 0.00007; TOPMed 0.00012; 1000 Genomes Project 0.00020; 1000 Genomes Project 30x 0.00031.
gnomAD v4.1: 40 of 1,613,604 alleles (0.0025%); highest among the groups gnomAD compares: Admixed American, 0.067%; no homozygotes.

Submissions (11):

Women's Health and Genetics/Laboratory Corporation of America, LabCorp
Classification: Uncertain significance. Last evaluated: 2026-06-01. Review status: criteria provided, single submitter. Criteria: LabCorp Variant Classification Summary - May 2015. Collection method: clinical testing. Allele origin: germline.
Comment: Variant summary: USH2A c.11366T>C (p.Ile3789Thr) results in a non-conservative amino acid change in the encoded protein sequence. Algorithms developed to predict the effect of missense changes on protein structure and function are either unavailable or do not agree on the potential impact of this missense change. The variant allele was found at a frequency of 6.8e-05 in 251296 control chromosomes. This frequency is not significantly higher than estimated for disease-causing variants in USH2A, allowing no conclusion about variant significance. c.11366T>C has been observed in individual(s) affected with USH2A-related conditions without reported genotype/second variant or as a compound heterozygous genotype with a third variant in cis (e.g. Fabian-Morales_2024, Han_2025, Fabian-Morales_2025, Internal data). These data do not allow any conclusion about variant significance. To our knowledge, no experimental evidence demonstrating an impact on protein function has been reported. The following publications have been ascertained in the context of this evaluation (PMID: 40454438, 39400524, 39843441). ClinVar contains an entry for this variant (Variation ID: 229615). Based on the evidence outlined above, the variant was classified as uncertain significance.

PreventionGenetics, part of Exact Sciences
Classification: Uncertain significance for USH2A-related condition. Last evaluated: 2026-03-09. Review status: criteria provided, single submitter. Criteria: ACMG Guidelines, 2015. Collection method: clinical testing. Allele origin: germline.
Comment: The USH2A c.11366T>C variant is predicted to result in the amino acid substitution p.Ile3789Thr. This variant was previously reported as a variant of uncertain significance in an individual with retinal dystrophy (Fabian-Morales et al. 2025. PubMed ID: 40454438). This variant is reported in 0.049% of alleles in individuals of Latino descent in gnomAD. At this time, the clinical significance of this variant is uncertain due to the absence of conclusive functional and genetic evidence.

GeneDx
Classification: Uncertain significance. Last evaluated: 2025-06-26. Review status: criteria provided, single submitter. Criteria: GeneDx Variant Classification Process June 2021. Collection method: clinical testing. Allele origin: germline. Affected: yes.
Comment: Identified in a patient with a retinal dystrophy who harbored a second variant on the same allele (in cis) in published literature (PMID: 39400524); In silico analysis supports that this missense variant has a deleterious effect on protein structure/function; This variant is associated with the following publications: (PMID: 39400524)

Genome-Nilou Lab
Classification: Uncertain significance for Retinitis pigmentosa 39. Last evaluated: 2023-11-04. Review status: criteria provided, single submitter. Criteria: ACMG Guidelines, 2015. Collection method: clinical testing. Allele origin: germline. Affected: no.

Genome-Nilou Lab
Classification: Uncertain significance for Usher syndrome type 2A. Last evaluated: 2023-11-04. Review status: criteria provided, single submitter. Criteria: ACMG Guidelines, 2015. Collection method: clinical testing. Allele origin: germline. Affected: no.

Blueprint Genetics
Classification: Uncertain significance. Last evaluated: 2023-05-05. Review status: criteria provided, single submitter. Criteria: ACMG Guidelines, 2015. Collection method: clinical testing. Allele origin: germline.

3billion
Classification: Uncertain significance for Usher syndrome type 2A. Last evaluated: 2023-02-23. Review status: criteria provided, single submitter. Criteria: ACMG Guidelines, 2015. Collection method: clinical testing. Allele origin: unknown. Affected: yes.
Comment: The variant is observed at an extremely low frequency in the gnomAD v2.1.1 dataset (total allele frequency: 0.007%). Therefore, this variant is classified as VUS according to the recommendation of ACMG/AMP guideline.

Labcorp Genetics (formerly Invitae), Labcorp
Classification: Uncertain significance. Last evaluated: 2022-09-27. Review status: criteria provided, single submitter. Criteria: Invitae Variant Classification Sherloc (09022015). Collection method: clinical testing. Allele origin: germline.
Comment: This sequence change replaces isoleucine, which is neutral and non-polar, with threonine, which is neutral and polar, at codon 3789 of the USH2A protein (p.Ile3789Thr). This variant is present in population databases (rs183979371, gnomAD 0.05%). This missense change has been observed in individual(s) with retinitis pigmentosa (Invitae). ClinVar contains an entry for this variant (Variation ID: 229615). Algorithms developed to predict the effect of missense changes on protein structure and function (SIFT, PolyPhen-2, Align-GVGD) all suggest that this variant is likely to be disruptive. In summary, the available evidence is currently insufficient to determine the role of this variant in disease. Therefore, it has been classified as a Variant of Uncertain Significance.

Laboratory for Molecular Medicine, Mass General Brigham Personalized Medicine
Classification: Uncertain significance. Last evaluated: 2015-12-21. Review status: criteria provided, single submitter. Criteria: LMM Criteria. Collection method: clinical testing. Allele origin: germline. Observed: 1 variant allele.
Comment: The p.Ile3789Thr variant in USH2A has not been previously reported in individual s with hearing loss or Usher syndrome but has been identified in 4/11576 of Lati no chromosomes by the Exome Aggregation Consortium (ExAC; dbSNP rs183979371); however this frequency is not high enough to rule out a pathogenic role. Computational prediction tools and conservation analysis suggest that this variant may impact the protein, though this information is not predictive enough to determine pathogenicity. In summary, the clinical signific ance of the p.Ile3789Thr variant is uncertain.

Breakthrough Genomics
Classification: Uncertain significance. Review status: criteria provided, single submitter. Criteria: ACMG Guidelines, 2015. Collection method: not provided. Allele origin: germline. Inheritance: Autosomal recessive inheritance. Affected: yes.

Natera, Inc.
Classification: Uncertain significance for Usher syndrome type 2A. Last evaluated: 2019-11-11. Review status: no assertion criteria provided. Collection method: clinical testing. Allele origin: germline. Not counted in ClinVar's aggregate classification.

Literature cited by the submitters: PubMed 39843441 (cited by Women's Health and Genetics/Laboratory Corporation of America, LabCorp); PubMed 40454438 (cited by Women's Health and Genetics/Laboratory Corporation of America, LabCorp); PubMed 39400524 (cited by Women's Health and Genetics/Laboratory Corporation of America, LabCorp).